The following is an entry in ClinVar:

ClinVar aggregate classification (germline): Conflicting classifications of pathogenicity. Review status: criteria provided, conflicting classifications (1 of 4 stars). 3 submissions from 3 submitters: Uncertain significance (1); Likely benign (2). Last evaluated 2025-12-20.

Allele frequency attached by ClinVar (database versions not stated): gnomAD 0.00005 and 0.00006; TOPMed 0.00005; gnomAD exomes 0.00007 and 0.00010; ExAC 0.00011.
gnomAD v4.1: 87 of 1,210,160 alleles (0.0072%); highest among the groups gnomAD compares: Non-Finnish European, 0.0076%; no homozygotes.

Submissions (3):

Labcorp Genetics (formerly Invitae), Labcorp
Classification: Likely benign. Last evaluated: 2025-12-20. Review status: criteria provided, single submitter. Criteria: Invitae Variant Classification Sherloc (09022015). Collection method: clinical testing. Allele origin: germline.

Ambry Genetics
Classification: Uncertain significance. Last evaluated: 2025-02-09. Review status: criteria provided, single submitter. Criteria: Ambry Variant Classification Scheme 2023. Collection method: clinical testing. Allele origin: germline.

CeGaT Center for Human Genetics Tuebingen
Classification: Likely benign. Last evaluated: 2024-06-01. Review status: criteria provided, single submitter. Criteria: CeGaT Center For Human Genetics Tuebingen Variant Classification Criteria Version 2. Collection method: clinical testing. Allele origin: germline. Affected: yes. Observed: 4 variant alleles.
Comment: DRP2: BS2

NM_001939.3(DRP2):c.2132T>C (p.Met711Thr)

Gene: DRP2 (dystrophin related protein 2; plus strand). Cytogenetic location: Xq22.1.
Variant type: single nucleotide variant.
Coding change: c.2132T>C on transcript NM_001939.3 (MANE Select); coding-DNA position 2132, T replaced by C.
Protein change: p.Met711Thr; replaces methionine 711 with threonine.
Molecular consequence: missense variant.
Genome position (GRCh38, 1-based): chrX:101,254,876, T>C. VCF-style: chrX-101254876-T-C. GRCh37 (hg19) VCF-style: chrX-100509865-T-C.
Other names: c.2132T>C (NM_001939.2); c.1898T>C, p.Met633Thr (NM_001171184.2); short protein forms M711T, M633T.
Identifiers: ClinVar variation 624434 (VCV000624434.49), dbSNP rs766334048, ClinGen allele CA10472416.